The following is an entry in ClinVar:

NM_007215.4(POLG2):c.1172C>T (p.Pro391Leu)

Genes: MILR1 (mast cell immunoglobulin like receptor 1; plus strand), POLG2 (DNA polymerase gamma 2, accessory subunit; minus strand). Cytogenetic location: 17q23.3.
Variant type: single nucleotide variant.
Coding change: c.1172C>T on transcript NM_007215.4 (MANE Select); coding-DNA position 1172, C replaced by T.
Protein change: p.Pro391Leu; replaces proline 391 with leucine.
Molecular consequence: missense variant.
Genome position (GRCh38, 1-based): chr17:64,482,938, G>A on the plus strand (C>T on the coding strand, the complement: POLG2 is on the minus strand). VCF-style: chr17-64482938-G-A. GRCh37 (hg19) VCF-style: chr17-62479055-G-A.
Other names: short protein forms P391L.
Identifiers: ClinVar variation 2977466 (VCV002977466.3), dbSNP rs782012222, ClinGen allele CA8712815.
Genomic context (GRCh38, chr17:64,482,938, plus strand): 5'-CAATCTGTAATTAAAATGACATTTAAACTCATTTAACTCACCTGTCTTAGTTCCAATGTG[G>A]GGCCTCTTCCTACATCCAAAGCAACCTTAATAGGGGCTAAACAAGGGTGAAGTTTAAGTA-3'
Protein context (NP_009146.2, residues 381-401): IKVALDVGRG[Pro391Leu]TLELRQVCQG

ClinVar aggregate classification (germline): Uncertain significance (1 of 4 stars; one submission).

Allele frequency attached by ClinVar (database versions not stated): TOPMed below 0.00001; ExAC 0.00001; gnomAD exomes 0.00001.
gnomAD v4.1: 8 of 1,594,264 alleles (0.0005%); highest among the groups gnomAD compares: Middle Eastern, 0.033%; no homozygotes.

Submission:

Labcorp Genetics (formerly Invitae), Labcorp
Classification: Uncertain significance. Last evaluated: 2023-05-16. Review status: criteria provided, single submitter. Criteria: Invitae Variant Classification Sherloc (09022015). Collection method: clinical testing. Allele origin: germline.
Comment: An algorithm developed to predict the effect of missense changes on protein structure and function (PolyPhen-2) suggests that this variant is likely to be disruptive. In summary, the available evidence is currently insufficient to determine the role of this variant in disease. Therefore, it has been classified as a Variant of Uncertain Significance. This variant has not been reported in the literature in individuals affected with POLG2-related conditions. This variant is present in population databases (rs782012222, gnomAD 0.002%). This sequence change replaces proline, which is neutral and non-polar, with leucine, which is neutral and non-polar, at codon 391 of the POLG2 protein (p.Pro391Leu).